The following is an entry in ClinVar:

ClinVar aggregate classification (germline): Pathogenic. Review status: reviewed by expert panel (3 of 4 stars). 3 submissions from 3 submitters: Pathogenic (1). 2 of the submissions do not count toward it. Last evaluated 2026-09-26.

Conditions:
Juvenile retinoschisis (RS1). Also called: X-Linked Juvenile Retinoschisis; X-linked retinoschisis. Identifiers: Orphanet 792, MedGen C3714753, MONDO:0010725, OMIM 312700.

Submissions (3):

ClinGen X-linked Inherited Retinal Disease Variant Curation Expert Panel, ClinGen
Classification: Pathogenic for Juvenile retinoschisis. Last evaluated: 2026-09-26. Review status: reviewed by expert panel. Criteria: ClinGen X LinkedIRD ACMG Specifications RS1 V1.0.0. Collection method: curation. Allele origin: germline. Inheritance: X-linked inheritance.
Comment: NM_000330.4(RS1):c.103C>T (p.Gln35Ter) is a nonsense variant that introduces a premature stop codon in exon 3 of 6 and is predicted to trigger nonsense-mediated decay (PVS1). This variant is absent from hemizygous individuals in gnomAD v4.1.0 (PM2_Supporting). This variant has been reported in at least two apparently unrelated probands meeting the PS4 requirements of a male diagnosed with X-linked retinoschisis (PMIDs: 23847049, 15932525, PS4_Supporting). In summary, this variant is classified as pathogenic for X-linked retinoschisis based on the ClinGen X-linked Inherited Retinal Disease Expert Panel Specifications to the ACMG/AMP Variant Interpretation Guidelines for RS1 Version 1.0.0: PM2_Supporting, PVS1, and PS4_Supporting.

Labcorp Genetics (formerly Invitae), Labcorp
Classification: Pathogenic. Last evaluated: 2024-03-05. Review status: criteria provided, single submitter. Criteria: Invitae Variant Classification Sherloc (09022015). Collection method: clinical testing. Allele origin: germline. Not counted in ClinVar's aggregate classification.
Comment: This sequence change creates a premature translational stop signal (p.Gln35*) in the RS1 gene. It is expected to result in an absent or disrupted protein product. Loss-of-function variants in RS1 are known to be pathogenic (PMID: 9618178, 17172462). This variant is not present in population databases (gnomAD no frequency). This premature translational stop signal has been observed in individual(s) with clinical features of X-linked retinoschisis (PMID: 15932525). ClinVar contains an entry for this variant (Variation ID: 1805017). For these reasons, this variant has been classified as Pathogenic.

Victorian Clinical Genetics Services, Murdoch Childrens Research Institute
Classification: Pathogenic for Juvenile retinoschisis. Last evaluated: 2022-02-02. Review status: criteria provided, single submitter. Criteria: ACMG Guidelines, 2015. Collection method: clinical testing. Allele origin: germline. Inheritance: X-linked recessive inheritance. Not counted in ClinVar's aggregate classification.
Comment: Based on the classification scheme VCGS_Germline_v1.3.4, this variant is classified as Pathogenic. Following criteria are met: 0102 - Loss of function is a known mechanism of disease in this gene and is associated with retinoschisis (MIM#312700). (I) 0109 - This gene is associated with X-linked recessive disease, however, some affected females have been reported (OMIM). (I) 0201 - Variant is predicted to cause nonsense-mediated decay (NMD) and loss of protein (premature termination codon is located at least 54 nucleotides upstream of the final exon-exon junction). (SP) 0253 - This variant is hemizygous. (I) 0301 - Variant is absent from gnomAD (both v2 and v3). (SP) 0701 - Other NMD-predicted variants comparable to the one identified in this case have very strong previous evidence for pathogenicity. Many other NMD-predicted variants have previously been reported as pathogenic (Decipher; PMID: 23847049). (SP) 0803 - This variant has limited previous evidence of pathogenicity in unrelated individuals. The variant has previously been reported in one individual with retinoschisis (PMID: 23453514). (SP) 0905 - No published segregation evidence has been identified for this variant. (I) 1007 - No published functional evidence has been identified for this variant. (I) Legend: (SP) - Supporting pathogenic, (I) - Information, (SB) - Supporting benign

Literature cited by the submitters: PubMed 9618178 (cited by Labcorp Genetics (formerly Invitae), Labcorp); PubMed 17172462 (cited by Labcorp Genetics (formerly Invitae), Labcorp); PubMed 15932525 (cited by Labcorp Genetics (formerly Invitae), Labcorp); PubMed 23453514 (cited by Victorian Clinical Genetics Services, Murdoch Childrens Research Institute); PubMed 23847049 (cited by Victorian Clinical Genetics Services, Murdoch Childrens Research Institute).

NM_000330.4(RS1):c.103C>T (p.Gln35Ter)

Gene: RS1 (retinoschisin 1; minus strand). Cytogenetic location: Xp22.13.
Variant type: single nucleotide variant.
Coding change: c.103C>T on transcript NM_000330.4 (MANE Select); coding-DNA position 103, C replaced by T.
Protein change: p.Gln35Ter; replaces glutamine 35 with a stop codon.
Molecular consequence: nonsense.
Genome position (GRCh38, 1-based): chrX:18,656,734, G>A on the plus strand (C>T on the coding strand, the complement: RS1 is on the minus strand). VCF-style: chrX-18656734-G-A. GRCh37 (hg19) VCF-style: chrX-18674854-G-A.
Other names: NM_000330.4(RS1):c.103C>T; p.Gln35Ter; short protein forms Q35*.
Identifiers: ClinVar variation 1805017 (VCV001805017.7), dbSNP rs2518937898, ClinGen allele CA412376480.